The following is an entry in ClinVar:

ClinVar aggregate classification (germline): Uncertain significance (1 of 4 stars; one submission).

Conditions:
Inborn genetic diseases. Identifiers: MedGen C0950123, MeSH D030342.

Submission:

Ambry Genetics
Classification: Uncertain significance for Inborn genetic diseases. Last evaluated: 2025-06-10. Review status: criteria provided, single submitter. Criteria: Ambry Variant Classification Scheme 2023. Collection method: clinical testing. Allele origin: germline.
Comment: The p.G176R variant (also known as c.526G>A), located in coding exon 3 of the KDM1A gene, results from a G to A substitution at nucleotide position 526. The glycine at codon 176 is replaced by arginine, an amino acid with dissimilar properties. This amino acid position is conserved. In addition, this alteration is predicted to be tolerated by in silico analysis. Based on the available evidence, the clinical significance of this variant remains unclear.

NM_001009999.3(KDM1A):c.526G>A (p.Gly176Arg)

Gene: KDM1A (lysine demethylase 1A; plus strand). Cytogenetic location: 1p36.12.
Variant type: single nucleotide variant.
Coding change: c.526G>A on transcript NM_001009999.3 (MANE Select); coding-DNA position 526, G replaced by A.
Protein change: p.Gly176Arg; replaces glycine 176 with arginine.
Molecular consequence: missense variant. On other transcripts: intron variant (3).
Genome position (GRCh38, 1-based): chr1:23,044,435, G>A. VCF-style: chr1-23044435-G-A. GRCh37 (hg19) VCF-style: chr1-23370928-G-A.
Other names: c.518-5952G>A (NM_001410763.1, NM_015013.4, NM_001363654.2); c.526G>A, p.Gly176Arg (NM_001410762.1); short protein forms G176R.
Identifiers: ClinVar variation 4042185 (VCV004042185.1).